The following is an entry in ClinVar:

NM_001289104.2(PRKCSH):c.1144A>G (p.Asn382Asp)

Gene: PRKCSH (PRKCSH beta subunit of glucosidase II; plus strand). Cytogenetic location: 19p13.2.
Variant type: single nucleotide variant.
Coding change: c.1144A>G on transcript NM_001289104.2 (MANE Select); coding-DNA position 1144, A replaced by G.
Protein change: p.Asn382Asp; replaces asparagine 382 with aspartic acid.
Molecular consequence: missense variant.
Genome position (GRCh38, 1-based): chr19:11,448,239, A>G. VCF-style: chr19-11448239-A-G. GRCh37 (hg19) VCF-style: chr19-11559054-A-G.
Other names: c.1114A>G, p.Asn372Asp (NM_001001329.3, NM_001289102.2, NM_001379609.1); c.1144A>G, p.Asn382Asp (NM_001289103.2); c.1123A>G, p.Asn375Asp (NM_001379608.1, NM_002743.3); short protein forms N382D, N375D, N372D.
Identifiers: ClinVar variation 2089639 (VCV002089639.4), dbSNP rs2512540055, ClinGen allele CA404136419.

ClinVar aggregate classification (germline): Uncertain significance (1 of 4 stars; one submission).

Submission:

Labcorp Genetics (formerly Invitae), Labcorp
Classification: Uncertain significance. Last evaluated: 2022-01-26. Review status: criteria provided, single submitter. Criteria: Invitae Variant Classification Sherloc (09022015). Collection method: clinical testing. Allele origin: germline.
Comment: In summary, the available evidence is currently insufficient to determine the role of this variant in disease. Therefore, it has been classified as a Variant of Uncertain Significance. Algorithms developed to predict the effect of missense changes on protein structure and function output the following: SIFT: "Tolerated"; PolyPhen-2: "Benign"; Align-GVGD: "Class C0". The aspartic acid amino acid residue is found in multiple mammalian species, which suggests that this missense change does not adversely affect protein function. This variant has not been reported in the literature in individuals affected with PRKCSH-related conditions. This variant is not present in population databases (gnomAD no frequency). This sequence change replaces asparagine, which is neutral and polar, with aspartic acid, which is acidic and polar, at codon 375 of the PRKCSH protein (p.Asn375Asp).